The following is an entry in ClinVar:

NM_006662.3(SRCAP):c.536A>G (p.Lys179Arg)

Gene: SRCAP (Snf2 related CREBBP activator protein; plus strand). Cytogenetic location: 16p11.2.
Variant type: single nucleotide variant.
Coding change: c.536A>G on transcript NM_006662.3 (MANE Select); coding-DNA position 536, A replaced by G.
Protein change: p.Lys179Arg; replaces lysine 179 with arginine.
Molecular consequence: missense variant.
Genome position (GRCh38, 1-based): chr16:30,707,615, A>G. VCF-style: chr16-30707615-A-G. GRCh37 (hg19) VCF-style: chr16-30718936-A-G.
Other names: c.536A>G (NM_006662.2); short protein forms K179R.
Identifiers: ClinVar variation 1443399 (VCV001443399.7), dbSNP rs986903667, ClinGen allele CA280503030.
Genomic context (GRCh38, chr16:30,707,615, plus strand): 5'-GGTCTTCATTCCCACAGGTGGTGCGCATGGTGATCCGGCACCACGAGGAGCAGCGGCAGA[A>G]AGAGGAACGGGCCCGGAGGGAGGAGCAGGCCAAGCTGCGTCGAATTGCTTCCACCATGGC-3'
Protein context (NP_006653.2, residues 169-189): VIRHHEEQRQ[Lys179Arg]EERARREEQA

ClinVar aggregate classification (germline): Uncertain significance. Review status: criteria provided, multiple submitters, no conflicts (2 of 4 stars). 2 submissions from 2 submitters: Uncertain significance (2). Last evaluated 2023-02-27.

Conditions:
Inborn genetic diseases. Identifiers: MedGen C0950123, MeSH D030342.

Allele frequency attached by ClinVar (database versions not stated): gnomAD exomes below 0.00001; TOPMed 0.00001.

Submissions (2):

Ambry Genetics
Classification: Uncertain significance for Inborn genetic diseases. Last evaluated: 2023-02-27. Review status: criteria provided, single submitter. Criteria: Ambry Variant Classification Scheme 2023. Collection method: clinical testing. Allele origin: germline.

Labcorp Genetics (formerly Invitae), Labcorp
Classification: Uncertain significance. Last evaluated: 2021-10-15. Review status: criteria provided, single submitter. Criteria: Invitae Variant Classification Sherloc (09022015). Collection method: clinical testing. Allele origin: germline.
Comment: This sequence change replaces lysine with arginine at codon 179 of the SRCAP protein (p.Lys179Arg). The lysine residue is highly conserved and there is a small physicochemical difference between lysine and arginine. In summary, the available evidence is currently insufficient to determine the role of this variant in disease. Therefore, it has been classified as a Variant of Uncertain Significance. Algorithms developed to predict the effect of missense changes on protein structure and function are either unavailable or do not agree on the potential impact of this missense change (SIFT: "Deleterious"; PolyPhen-2: "Not Available"; Align-GVGD: "Class C25"). This variant has not been reported in the literature in individuals affected with SRCAP-related conditions. This variant is not present in population databases (ExAC no frequency).